The following is an entry in ClinVar:

ClinVar aggregate classification (germline): Uncertain significance (1 of 4 stars; one submission).

Conditions:
Chédiak-Higashi syndrome (CHS). Also called: Chediak-Higashi Syndrome. Identifiers: Orphanet 167, MedGen C0007965, MONDO:0008963, OMIM 214500.

Allele frequency attached by ClinVar (database versions not stated): TOPMed below 0.00001.

Submission:

Labcorp Genetics (formerly Invitae), Labcorp
Classification: Uncertain significance for Chédiak-Higashi syndrome. Last evaluated: 2022-06-08. Review status: criteria provided, single submitter. Criteria: Invitae Variant Classification Sherloc (09022015). Collection method: clinical testing. Allele origin: germline.
Comment: In summary, the available evidence is currently insufficient to determine the role of this variant in disease. Therefore, it has been classified as a Variant of Uncertain Significance. Algorithms developed to predict the effect of missense changes on protein structure and function (SIFT, PolyPhen-2, Align-GVGD) all suggest that this variant is likely to be tolerated. This variant has not been reported in the literature in individuals affected with LYST-related conditions. This variant is not present in population databases (gnomAD no frequency). This sequence change replaces valine, which is neutral and non-polar, with isoleucine, which is neutral and non-polar, at codon 852 of the LYST protein (p.Val852Ile).

NM_000081.4(LYST):c.2554G>A (p.Val852Ile)

Gene: LYST (lysosomal trafficking regulator; minus strand). Cytogenetic location: 1q42.3.
Variant type: single nucleotide variant.
Coding change: c.2554G>A on transcript NM_000081.4 (MANE Select); coding-DNA position 2554, G replaced by A.
Protein change: p.Val852Ile; replaces valine 852 with isoleucine.
Molecular consequence: missense variant.
Genome position (GRCh38, 1-based): chr1:235,806,582, C>T on the plus strand (G>A on the coding strand, the complement: LYST is on the minus strand). VCF-style: chr1-235806582-C-T. GRCh37 (hg19) VCF-style: chr1-235969882-C-T.
Other names: c.2554G>A, p.Val852Ile (NM_001301365.1); short protein forms V852I.
Identifiers: ClinVar variation 2195381 (VCV002195381.4), dbSNP rs1572328305, ClinGen allele CA344956690.